The following is an entry in ClinVar:

NM_001142864.4(PIEZO1):c.2832C>T (p.Ile944=)

Genes: HSALR1 (HSP90AB1 associated lncRNA 1; plus strand), PIEZO1 (piezo type mechanosensitive ion channel component 1 (Er blood group); minus strand). Cytogenetic location: 16q24.3.
Variant type: single nucleotide variant.
Coding change: c.2832C>T on transcript NM_001142864.4 (MANE Select); coding-DNA position 2832, C replaced by T.
Protein change: p.Ile944=; no amino-acid change (isoleucine 944 retained).
Molecular consequence: synonymous variant.
Genome position (GRCh38, 1-based): chr16:88,732,494, G>A on the plus strand (C>T on the coding strand, the complement: PIEZO1 is on the minus strand). VCF-style: chr16-88732494-G-A. GRCh37 (hg19) VCF-style: chr16-88798902-G-A.
Other names: c.1374C>T, p.Ile458= (NM_014745.1).
Identifiers: ClinVar variation 3250829 (VCV003250829.20), dbSNP rs754795016.

ClinVar aggregate classification (germline): Benign/Likely benign. Review status: criteria provided, multiple submitters, no conflicts (2 of 4 stars). 3 submissions from 3 submitters: Benign (1); Likely benign (2). Last evaluated 2025-02-16.

Allele frequency attached by ClinVar (database versions not stated): TOPMed 0.00001; gnomAD 0.00002; ExAC 0.00006.
gnomAD v4.1: 33 of 1,548,606 alleles (0.0021%); highest among the groups gnomAD compares: South Asian, 0.012%; no homozygotes.

Submissions (3):

Laboratory of Genetics, Children's Clinical University Hospital Latvia
Classification: Benign. Last evaluated: 2025-02-16. Review status: criteria provided, single submitter. Criteria: ACMG Guidelines, 2015. Collection method: clinical testing. Allele origin: germline. Affected: yes.

Blueprint Genetics
Classification: Likely benign. Last evaluated: 2024-06-10. Review status: criteria provided, single submitter. Criteria: ACMG Guidelines, 2015. Collection method: clinical testing. Allele origin: germline.

CeGaT Center for Human Genetics Tuebingen
Classification: Likely benign. Last evaluated: 2024-06-01. Review status: criteria provided, single submitter. Criteria: CeGaT Center For Human Genetics Tuebingen Variant Classification Criteria Version 2. Collection method: clinical testing. Allele origin: germline. Affected: yes. Observed: 1 variant allele.
Comment: PIEZO1: BP4, BP7